The following is an entry in ClinVar:

ClinVar aggregate classification (germline): Likely benign (0 of 4 stars; one submission).

Conditions:
SEMA3A-related disorder. Also called: SEMA3A-related condition.

Allele frequency attached by ClinVar (database versions not stated): ExAC 0.00001; gnomAD exomes 0.00001; gnomAD 0.00006; ESP Exome Variant Server 0.00008; TOPMed 0.00009.
gnomAD v4.1: 18 of 1,612,998 alleles (0.0011%); highest among the groups gnomAD compares: African/African-American, 0.021%; no homozygotes.

Submission:

PreventionGenetics, part of Exact Sciences
Classification: Likely benign for SEMA3A-related condition. Last evaluated: 2022-04-19. Review status: no assertion criteria provided. Collection method: clinical testing. Allele origin: germline.
Comment: This variant is classified as likely benign based on ACMG/AMP sequence variant interpretation guidelines (Richards et al. 2015 PMID: 25741868, with internal and published modifications).

NM_006080.3(SEMA3A):c.*1G>A

Gene: SEMA3A (semaphorin 3A; minus strand). Cytogenetic location: 7q21.11.
Variant type: single nucleotide variant.
Coding change: c.*1G>A on transcript NM_006080.3 (MANE Select); 1 bases downstream of the stop codon, G replaced by A.
Molecular consequence: 3 prime UTR variant.
Genome position (GRCh38, 1-based): chr7:83,961,370, C>T on the plus strand (G>A on the coding strand, the complement: SEMA3A is on the minus strand). VCF-style: chr7-83961370-C-T. GRCh37 (hg19) VCF-style: chr7-83590686-C-T.
Identifiers: ClinVar variation 3061718 (VCV003061718.2), dbSNP rs376482788, ClinGen allele CA4322513.